The following is an entry in ClinVar:

NM_005045.4(RELN):c.8653A>T (p.Thr2885Ser)

Genes: RELN (reelin; minus strand), SLC26A5-AS1 (SLC26A5 antisense RNA 1; plus strand). Cytogenetic location: 7q22.1.
Variant type: single nucleotide variant.
Coding change: c.8653A>T on transcript NM_005045.4 (MANE Select); coding-DNA position 8653, A replaced by T.
Protein change: p.Thr2885Ser; replaces threonine 2885 with serine.
Molecular consequence: missense variant.
Genome position (GRCh38, 1-based): chr7:103,500,759, T>A on the plus strand (A>T on the coding strand, the complement: RELN is on the minus strand). VCF-style: chr7-103500759-T-A. GRCh37 (hg19) VCF-style: chr7-103141206-T-A.
Other names: c.8653A>T, p.Thr2885Ser (NM_173054.3); short protein forms T2885S.
Identifiers: ClinVar variation 2940492 (VCV002940492.3), dbSNP rs565935986, ClinGen allele CA368755274.

ClinVar aggregate classification (germline): Uncertain significance (1 of 4 stars; one submission).

Conditions:
Norman-Roberts syndrome (LIS2). Also called: Lissencephaly 2 (Norman-Roberts type). Identifiers: Orphanet 89844, MedGen C0796089, MONDO:0009760, OMIM 257320.
Familial temporal lobe epilepsy 7. Identifiers: Orphanet 101046, MedGen C4225327, MONDO:0014639, OMIM 616436.

Allele frequency attached by ClinVar (database versions not stated): TOPMed below 0.00001.
gnomAD v4.1: 2 of 1,613,912 alleles (0.00012%); no homozygotes.

Submission:

Labcorp Genetics (formerly Invitae), Labcorp
Classification: Uncertain significance for Familial temporal lobe epilepsy 7; Norman-Roberts syndrome. Last evaluated: 2024-05-07. Review status: criteria provided, single submitter. Criteria: Invitae Variant Classification Sherloc (09022015). Collection method: clinical testing. Allele origin: germline.
Comment: This sequence change replaces threonine, which is neutral and polar, with serine, which is neutral and polar, at codon 2885 of the RELN protein (p.Thr2885Ser). This variant is not present in population databases (gnomAD no frequency). This variant has not been reported in the literature in individuals affected with RELN-related conditions. Advanced modeling of protein sequence and biophysical properties (such as structural, functional, and spatial information, amino acid conservation, physicochemical variation, residue mobility, and thermodynamic stability) performed at Invitae indicates that this missense variant is not expected to disrupt RELN protein function with a negative predictive value of 80%. In summary, the available evidence is currently insufficient to determine the role of this variant in disease. Therefore, it has been classified as a Variant of Uncertain Significance.